The following is an entry in ClinVar:

NM_005677.4(COLQ):c.1313T>C (p.Leu438Pro)

Gene: COLQ (collagen like tail subunit of asymmetric acetylcholinesterase; minus strand). Cytogenetic location: 3p25.1.
Variant type: single nucleotide variant.
Coding change: c.1313T>C on transcript NM_005677.4 (MANE Select); coding-DNA position 1313, T replaced by C.
Protein change: p.Leu438Pro; replaces leucine 438 with proline.
Molecular consequence: missense variant.
Genome position (GRCh38, 1-based): chr3:15,451,699, A>G on the plus strand (T>C on the coding strand, the complement: COLQ is on the minus strand). VCF-style: chr3-15451699-A-G. GRCh37 (hg19) VCF-style: chr3-15493206-A-G.
Other names: c.1283T>C, p.Leu428Pro (NM_080538.2); c.1211T>C, p.Leu404Pro (NM_080539.4); short protein forms L428P, L438P, L404P.
Identifiers: ClinVar variation 1946777 (VCV001946777.5), dbSNP rs2470805780, ClinGen allele CA351595251.
Genomic context (GRCh38, chr3:15,451,699, plus strand): 5'-GGCCCTCAGGTGAAGTAGCGGCAGGGCGTGGAGTCGATGTAGCAGTACTGGGTGCATTGC[A>G]GGTCTCCATATGACCTGAGGGAGGCAAAGACACGTTCTAAAAGGCCACCTCTTATATGCT-3'
Protein context (NP_005668.2, residues 428-448): ETYLPGSYGD[Leu438Pro]QCTQYCYIDS

ClinVar aggregate classification (germline): Uncertain significance (1 of 4 stars; one submission).

Conditions:
Congenital myasthenic syndrome 5. Identifiers: Orphanet 590, MedGen C1864233, MONDO:0011281, OMIM 603034.

Submission:

Labcorp Genetics (formerly Invitae), Labcorp
Classification: Uncertain significance for Congenital myasthenic syndrome 5. Last evaluated: 2022-04-11. Review status: criteria provided, single submitter. Criteria: Invitae Variant Classification Sherloc (09022015). Collection method: clinical testing. Allele origin: germline.
Comment: This variant has not been reported in the literature in individuals affected with COLQ-related conditions. Algorithms developed to predict the effect of missense changes on protein structure and function are either unavailable or do not agree on the potential impact of this missense change (SIFT: "Deleterious"; PolyPhen-2: "Not Available"; Align-GVGD: "Class C0"). This sequence change replaces leucine, which is neutral and non-polar, with proline, which is neutral and non-polar, at codon 438 of the COLQ protein (p.Leu438Pro). This variant is not present in population databases (gnomAD no frequency). In summary, the available evidence is currently insufficient to determine the role of this variant in disease. Therefore, it has been classified as a Variant of Uncertain Significance.